The following is an entry in ClinVar:

NM_016169.4(SUFU):c.50C>A (p.Ala17Asp)

Genes: SUFU (SUFU negative regulator of hedgehog signaling; plus strand), LOC130004614 (ATAC-STARR-seq lymphoblastoid silent region 2764; plus strand). Cytogenetic location: 10q24.32.
Variant type: single nucleotide variant.
Coding change: c.50C>A on transcript NM_016169.4 (MANE Select); coding-DNA position 50, C replaced by A.
Protein change: p.Ala17Asp; replaces alanine 17 with aspartic acid.
Molecular consequence: missense variant.
Genome position (GRCh38, 1-based): chr10:102,504,202, C>A. VCF-style: chr10-102504202-C-A. GRCh37 (hg19) VCF-style: chr10-104263959-C-A.
Other names: c.50C>A, p.Ala17Asp (NM_001178133.2); short protein forms A17D.
Identifiers: ClinVar variation 3368447 (VCV003368447.1).

ClinVar aggregate classification (germline): Uncertain significance (1 of 4 stars; one submission).

Submission:

GeneDx
Classification: Uncertain significance. Last evaluated: 2024-01-26. Review status: criteria provided, single submitter. Criteria: GeneDx Variant Classification Process June 2021. Collection method: clinical testing. Allele origin: germline. Affected: yes.
Comment: Not observed at significant frequency in large population cohorts (gnomAD); In silico analysis supports that this missense variant does not alter protein structure/function; Has not been previously published as pathogenic or benign to our knowledge